The following is an entry in ClinVar:

ClinVar aggregate classification (germline): Uncertain significance. Review status: criteria provided, multiple submitters, no conflicts (2 of 4 stars). 2 submissions from 2 submitters: Uncertain significance (2). Last evaluated 2025-04-03.

Conditions:
Feingold syndrome type 1 (FGLDS1). Also called: MICROCEPHALY, MENTAL RETARDATION, AND TRACHEOESOPHAGEAL FISTULA SYNDROME; MICROCEPHALY-OCULO-DIGITO-ESOPHAGEAL-DUODENAL SYNDROME; OCULODIGITOESOPHAGODUODENAL SYNDROME; ODED SYNDROME; MICROCEPHALY AND DIGITAL ABNORMALITIES WITH NORMAL INTELLIGENCE. Identifiers: Orphanet 1305, Orphanet 391641, MedGen C4551774, MONDO:0008115, OMIM 164280.
Megalencephaly-polydactyly syndrome (MPAPA). Identifiers: MedGen C5935591, MONDO:0958279, OMIM 620748.

Submissions (2):

Labcorp Genetics (formerly Invitae), Labcorp
Classification: Uncertain significance. Last evaluated: 2025-04-03. Review status: criteria provided, single submitter. Criteria: Invitae Variant Classification Sherloc (09022015). Collection method: clinical testing. Allele origin: germline.
Comment: This sequence change replaces alanine, which is neutral and non-polar, with glycine, which is neutral and non-polar, at codon 367 of the MYCN protein (p.Ala367Gly). This variant is present in population databases (no rsID available, gnomAD 0.003%). This variant has not been reported in the literature in individuals affected with MYCN-related conditions. ClinVar contains an entry for this variant (Variation ID: 3584535). Invitae Evidence Modeling of protein sequence and biophysical properties (such as structural, functional, and spatial information, amino acid conservation, physicochemical variation, residue mobility, and thermodynamic stability) indicates that this missense variant is not expected to disrupt MYCN protein function with a negative predictive value of 95%. Algorithms developed to predict the effect of sequence changes on RNA splicing suggest that this variant may create or strengthen a splice site. In summary, the available evidence is currently insufficient to determine the role of this variant in disease. Therefore, it has been classified as a Variant of Uncertain Significance.

Fulgent Genetics
Classification: Uncertain significance for Feingold syndrome type 1; Megalencephaly-polydactyly syndrome. Last evaluated: 2024-06-12. Review status: criteria provided, single submitter. Criteria: ACMG Guidelines, 2015. Collection method: clinical testing. Allele origin: germline.

NM_005378.6(MYCN):c.1100C>G (p.Ala367Gly)

Gene: MYCN (MYCN proto-oncogene, bHLH transcription factor; plus strand). Cytogenetic location: 2p24.3.
Variant type: single nucleotide variant.
Coding change: c.1100C>G on transcript NM_005378.6 (MANE Select); coding-DNA position 1100, C replaced by G.
Protein change: p.Ala367Gly; replaces alanine 367 with glycine.
Molecular consequence: missense variant. On other transcripts: 3 prime UTR variant (1).
Genome position (GRCh38, 1-based): chr2:15,945,802, C>G. VCF-style: chr2-15945802-C-G. GRCh37 (hg19) VCF-style: chr2-16085924-C-G.
Other names: c.467C>G, p.Ala156Gly (NM_001293231.2); c.*1035C>G (NM_001293233.2); c.1100C>G, p.Ala367Gly (NM_001293228.2); short protein forms A156G, A367G.
Identifiers: ClinVar variation 3584535 (VCV003584535.2).